The following is an entry in ClinVar:

NM_016151.4(TAOK2):c.3104G>A (p.Arg1035His)

Gene: TAOK2 (TAO kinase 2; plus strand). Cytogenetic location: 16p11.2.
Variant type: single nucleotide variant.
Coding change: c.3104G>A on transcript NM_016151.4 (MANE Select); coding-DNA position 3104, G replaced by A.
Protein change: p.Arg1035His; replaces arginine 1035 with histidine.
Molecular consequence: missense variant. On other transcripts: intron variant (1).
Genome position (GRCh38, 1-based): chr16:29,987,376, G>A. VCF-style: chr16-29987376-G-A. GRCh37 (hg19) VCF-style: chr16-29998697-G-A.
Other names: c.2765G>A, p.Arg922His (NM_001252043.2); c.2232+872G>A (NM_004783.4); short protein forms R1035H, R922H.
Identifiers: ClinVar variation 3617526 (VCV003617526.2).
Genomic context (GRCh38, chr16:29,987,376, plus strand): 5'-GTCTTTTCCTACTCCTGGCCCAGGGTACCGCACTGGGGGCCGTCCTGGGCCTGAGCTGGC[G>A]CCGAGGCCTCATGGGTGTTCCCCTGGGCCTTGGAGCTGCCTGGCTCTTAGCTTGGCCAGG-3'
Protein context (NP_057235.2, residues 1025-1045): ALGAVLGLSW[Arg1035His]RGLMGVPLGL

ClinVar aggregate classification (germline): Uncertain significance (1 of 4 stars; one submission).

gnomAD v4.1: 26 of 1,599,224 alleles (0.0016%); highest among the groups gnomAD compares: East Asian, 0.0045%; no homozygotes.

Submission:

Labcorp Genetics (formerly Invitae), Labcorp
Classification: Uncertain significance. Last evaluated: 2025-11-03. Review status: criteria provided, single submitter. Criteria: Invitae Variant Classification Sherloc (09022015). Collection method: clinical testing. Allele origin: germline.
Comment: This sequence change replaces arginine, which is basic and polar, with histidine, which is basic and polar, at codon 1035 of the TAOK2 protein (p.Arg1035His). This variant is present in population databases (rs144609126, gnomAD 0.01%). This variant has not been reported in the literature in individuals affected with TAOK2-related conditions. ClinVar contains an entry for this variant (Variation ID: 3617526). An algorithm developed to predict the effect of missense changes on protein structure and function (PolyPhen-2) suggests that this variant is likely to be tolerated. In summary, the available evidence is currently insufficient to determine the role of this variant in disease. Therefore, it has been classified as a Variant of Uncertain Significance.